The following is an entry in ClinVar:

ClinVar aggregate classification (germline): Uncertain significance. Review status: criteria provided, multiple submitters, no conflicts (2 of 4 stars). 4 submissions from 4 submitters: Uncertain significance (3). 1 of the submissions does not count toward it. Last evaluated 2022-07-09.

Conditions:
Autosomal recessive limb-girdle muscular dystrophy type 2B (LGMDR2). Also called: MUSCULAR DYSTROPHY, LIMB-GIRDLE, TYPE 3; Limb-girdle muscular dystrophy, type 2B; Limb-Girdle Muscular Dystrophy Type 2B (LGMD2B); MUSCULAR DYSTROPHY, LIMB-GIRDLE, AUTOSOMAL RECESSIVE 2. Identifiers: Orphanet 268, MedGen C1850889, MONDO:0009676, OMIM 253601.
Neuromuscular disease caused by qualitative or quantitative defects of dysferlin. Also called: Dysferlinopathy; Qualitative or quantitative defects of dysferlin. Identifiers: Orphanet 207073, MedGen C2931687, MONDO:0016145.

Allele frequency attached by ClinVar (database versions not stated): gnomAD 0.00001; TOPMed 0.00001; gnomAD exomes 0.00002.
gnomAD v4.1: 8 of 1,613,516 alleles (0.0005%); highest among the groups gnomAD compares: Admixed American, 0.005%; no homozygotes.

Submissions (4):

Labcorp Genetics (formerly Invitae), Labcorp
Classification: Uncertain significance for Neuromuscular disease caused by qualitative or quantitative defects of dysferlin. Last evaluated: 2022-07-09. Review status: criteria provided, single submitter. Criteria: Invitae Variant Classification Sherloc (09022015). Collection method: clinical testing. Allele origin: germline.
Comment: This sequence change replaces threonine, which is neutral and polar, with isoleucine, which is neutral and non-polar, at codon 1804 of the DYSF protein (p.Thr1804Ile). This variant is present in population databases (no rsID available, gnomAD 0.009%). This variant has not been reported in the literature in individuals affected with DYSF-related conditions. ClinVar contains an entry for this variant (Variation ID: 336975). Advanced modeling of protein sequence and biophysical properties (such as structural, functional, and spatial information, amino acid conservation, physicochemical variation, residue mobility, and thermodynamic stability) performed at Invitae indicates that this missense variant is not expected to disrupt DYSF protein function. In summary, the available evidence is currently insufficient to determine the role of this variant in disease. Therefore, it has been classified as a Variant of Uncertain Significance.

Revvity Omics, Revvity
Classification: Uncertain significance. Last evaluated: 2020-03-18. Review status: criteria provided, single submitter. Criteria: ACMG Guidelines, 2015. Collection method: clinical testing. Allele origin: germline.

Illumina Laboratory Services, Illumina
Classification: Uncertain significance for Qualitative or quantitative defects of dysferlin. Last evaluated: 2018-01-12. Review status: criteria provided, single submitter. Criteria: ICSL Variant Classification Criteria 13 December 2019. Collection method: clinical testing. Allele origin: germline.

Natera, Inc.
Classification: Uncertain significance for Limb-girdle muscular dystrophy type 2B. Last evaluated: 2019-10-28. Review status: no assertion criteria provided. Collection method: clinical testing. Allele origin: germline. Not counted in ClinVar's aggregate classification.

NM_001130987.2(DYSF):c.5528C>T (p.Thr1843Ile)

Gene: DYSF (dysferlin; plus strand). Cytogenetic location: 2p13.2.
Variant type: single nucleotide variant.
Coding change: c.5528C>T on transcript NM_001130987.2 (MANE Select); coding-DNA position 5528, C replaced by T.
Protein change: p.Thr1843Ile; replaces threonine 1843 with isoleucine.
Molecular consequence: missense variant.
Genome position (GRCh38, 1-based): chr2:71,668,824, C>T. VCF-style: chr2-71668824-C-T. GRCh37 (hg19) VCF-style: chr2-71895954-C-T.
Other names: c.5414C>T, p.Thr1805Ile (NM_001130455.2); c.5369C>T, p.Thr1790Ile (NM_001130976.2); c.5432C>T, p.Thr1811Ile (NM_001130977.2); c.5474C>T, p.Thr1825Ile (NM_001130978.2); c.5504C>T, p.Thr1835Ile (NM_001130979.2); c.5462C>T, p.Thr1821Ile (NM_001130980.2); c.5525C>T, p.Thr1842Ile (NM_001130981.2); c.5507C>T, p.Thr1836Ile (NM_001130982.2); and 5 more; short protein forms T1804I, T1843I, T1835I, T1836I, T1811I, T1825I, T1790I, T1821I.
Identifiers: ClinVar variation 336975 (VCV000336975.14), dbSNP rs886056283, ClinGen allele CA10616119.